The following is an entry in ClinVar:

ClinVar aggregate classification (germline): Likely benign. Review status: criteria provided, multiple submitters, no conflicts (2 of 4 stars). 3 submissions from 3 submitters: Likely benign (2). 1 of the submissions does not count toward it. Last evaluated 2026-01-15.

Conditions:
Cardiovascular phenotype. Identifiers: MedGen CN230736.
TXNRD2-related disorder. Also called: TXNRD2-related condition.
Primary dilated cardiomyopathy (DCM). Also called: Dilated Cardiomyopathy. Identifiers: Orphanet 217604, MedGen C0007193, MeSH D002311, MONDO:0005021, HP:0001644. Inheritance: Various modes of inheritance.

Allele frequency attached by ClinVar (database versions not stated): gnomAD exomes 0.00001 and 0.00002; ExAC 0.00002; TOPMed 0.00002.
gnomAD v4.1: 11 of 1,613,958 alleles (0.00068%); highest among the groups gnomAD compares: Admixed American, 0.005%; no homozygotes.

Submissions (3):

Labcorp Genetics (formerly Invitae), Labcorp
Classification: Likely benign for Primary dilated cardiomyopathy. Last evaluated: 2026-01-15. Review status: criteria provided, single submitter. Criteria: Invitae Variant Classification Sherloc (09022015). Collection method: clinical testing. Allele origin: germline.

Ambry Genetics
Classification: Likely benign for Cardiovascular phenotype. Last evaluated: 2019-09-13. Review status: criteria provided, single submitter. Criteria: Ambry Variant Classification Scheme 2023. Collection method: clinical testing. Allele origin: germline.

PreventionGenetics, part of Exact Sciences
Classification: Likely benign for TXNRD2-related condition. Last evaluated: 2024-08-21. Review status: no assertion criteria provided. Collection method: clinical testing. Allele origin: germline. Not counted in ClinVar's aggregate classification.
Comment: This variant is classified as likely benign based on ACMG/AMP sequence variant interpretation guidelines (Richards et al. 2015 PMID: 25741868, with internal and published modifications).

NM_006440.5(TXNRD2):c.918G>A (p.Thr306=)

Gene: TXNRD2 (thioredoxin reductase 2; minus strand). Cytogenetic location: 22q11.21.
Variant type: single nucleotide variant.
Coding change: c.918G>A on transcript NM_006440.5 (MANE Select); coding-DNA position 918, G replaced by A.
Protein change: p.Thr306=; no amino-acid change (threonine 306 retained).
Molecular consequence: synonymous variant. On other transcripts: non-coding transcript variant (1).
Genome position (GRCh38, 1-based): chr22:19,895,438, C>T on the plus strand (G>A on the coding strand, the complement: TXNRD2 is on the minus strand). VCF-style: chr22-19895438-C-T. GRCh37 (hg19) VCF-style: chr22-19882961-C-T.
Other names: c.918G>A, p.Thr306= (NM_001282512.3); c.915G>A, p.Thr305= (NM_001352300.2); c.828G>A, p.Thr276= (NM_001352301.2); c.630G>A, p.Thr210= (NM_001352302.2); c.822G>A, p.Thr274= (NM_001352303.2); c.918G>A (NM_006440.4).
Identifiers: ClinVar variation 1589984 (VCV001589984.14), dbSNP rs763086193, ClinGen allele CA10103945.